The following is an entry in ClinVar:

ClinVar aggregate classification (germline): Uncertain significance. Review status: criteria provided, multiple submitters, no conflicts (2 of 4 stars). 2 submissions from 2 submitters: Uncertain significance (2). Last evaluated 2025-08-03.

Conditions:
Inborn genetic diseases. Identifiers: MedGen C0950123, MeSH D030342.

Allele frequency attached by ClinVar (database versions not stated): 1000 Genomes Project 30x 0.00031; 1000 Genomes Project 0.00040; gnomAD exomes 0.00008; TOPMed 0.00011; gnomAD 0.00012; ExAC 0.00013; ESP Exome Variant Server 0.00023.
gnomAD v4.1: 138 of 1,614,010 alleles (0.0086%); highest among the groups gnomAD compares: South Asian, 0.058%; no homozygotes.

Submissions (2):

Ambry Genetics
Classification: Uncertain significance for Inborn genetic diseases. Last evaluated: 2025-08-03. Review status: criteria provided, single submitter. Criteria: Ambry Variant Classification Scheme 2023. Collection method: clinical testing. Allele origin: germline.

GeneDx
Classification: Uncertain significance. Last evaluated: 2022-09-28. Review status: criteria provided, single submitter. Criteria: GeneDx Variant Classification Process June 2021. Collection method: clinical testing. Allele origin: germline. Affected: yes.
Comment: Has not been previously published as pathogenic or benign to our knowledge; In silico analysis supports that this missense variant has a deleterious effect on protein structure/function

NM_021978.4(ST14):c.1577C>T (p.Pro526Leu)

Gene: ST14 (ST14 transmembrane serine protease matriptase; plus strand). Cytogenetic location: 11q24.3.
Variant type: single nucleotide variant.
Coding change: c.1577C>T on transcript NM_021978.4 (MANE Select); coding-DNA position 1577, C replaced by T.
Protein change: p.Pro526Leu; replaces proline 526 with leucine.
Molecular consequence: missense variant.
Genome position (GRCh38, 1-based): chr11:130,198,514, C>T. VCF-style: chr11-130198514-C-T. GRCh37 (hg19) VCF-style: chr11-130068409-C-T.
Other names: short protein forms P526L.
Identifiers: ClinVar variation 2499239 (VCV002499239.2), dbSNP rs200414478, ClinGen allele CA6364133.